The following is an entry in ClinVar:

ClinVar aggregate classification (germline): Uncertain significance (1 of 4 stars; one submission).

Conditions:
Hereditary breast ovarian cancer syndrome. Also called: Hereditary breast and ovarian cancer; Hereditary breast and/or ovarian cancer syndrome; Hereditary breast and ovarian cancer syndrome; Hereditary breast and ovarian cancer syndrome (HBOC); BRCA1- and BRCA2-Associated Hereditary Breast and Ovarian Cancer; Breast and ovarian cancer. Identifiers: Orphanet 145, MedGen C0677776, MeSH D061325, MONDO:0003582. Disease mechanism: loss of function.

Submission:

Labcorp Genetics (formerly Invitae), Labcorp
Classification: Uncertain significance for Hereditary breast ovarian cancer syndrome. Last evaluated: 2021-02-04. Review status: criteria provided, single submitter. Criteria: Invitae Variant Classification Sherloc (09022015). Collection method: clinical testing. Allele origin: germline.
Comment: In summary, the available evidence is currently insufficient to determine the role of this variant in disease. Therefore, it has been classified as a Variant of Uncertain Significance. Algorithms developed to predict the effect of missense changes on protein structure and function output the following: SIFT: "Tolerated"; PolyPhen-2: "Benign"; Align-GVGD: "Class C0". The threonine amino acid residue is found in multiple mammalian species, suggesting that this missense change does not adversely affect protein function. These predictions have not been confirmed by published functional studies and their clinical significance is uncertain. This variant has not been reported in the literature in individuals with BRCA2-related conditions. This variant is not present in population databases (ExAC no frequency). This sequence change replaces methionine with threonine at codon 3322 of the BRCA2 protein (p.Met3322Thr). The methionine residue is weakly conserved and there is a moderate physicochemical difference between methionine and threonine.

NM_000059.4(BRCA2):c.9965T>C (p.Met3322Thr)

Gene: BRCA2 (BRCA2 DNA repair associated; plus strand). Cytogenetic location: 13q13.1.
Variant type: single nucleotide variant.
Coding change: c.9965T>C on transcript NM_000059.4 (MANE Select); coding-DNA position 9965, T replaced by C.
Protein change: p.Met3322Thr; replaces methionine 3322 with threonine.
Molecular consequence: missense variant.
Genome position (GRCh38, 1-based): chr13:32,398,478, T>C. VCF-style: chr13-32398478-T-C. GRCh37 (hg19) VCF-style: chr13-32972615-T-C.
Other names: short protein forms M3322T.
Identifiers: ClinVar variation 951252 (VCV000951252.10), dbSNP rs2073053746, ClinGen allele CA387767419.